The following is an entry in ClinVar:

ClinVar aggregate classification (germline): Conflicting classifications of pathogenicity. Review status: criteria provided, conflicting classifications (1 of 4 stars). 3 submissions from 3 submitters: Uncertain significance (1); Likely benign (2). Last evaluated 2025-02-10.

Conditions:
UMOD-related disorder. Also called: UMOD-related condition.

Allele frequency attached by ClinVar (database versions not stated): gnomAD 0.00007 and 0.00011; TOPMed 0.00024; 1000 Genomes Project 30x 0.00031; 1000 Genomes Project 0.00040.
gnomAD v4.1: 140 of 1,614,072 alleles (0.0087%); highest among the groups gnomAD compares: East Asian, 0.13%; no homozygotes.

Submissions (3):

Labcorp Genetics (formerly Invitae), Labcorp
Classification: Likely benign. Last evaluated: 2025-02-10. Review status: criteria provided, single submitter. Criteria: Invitae Variant Classification Sherloc (09022015). Collection method: clinical testing. Allele origin: germline.

PreventionGenetics, part of Exact Sciences
Classification: Likely benign for UMOD-related condition. Last evaluated: 2024-11-04. Review status: criteria provided, single submitter. Criteria: ACMG Guidelines, 2015. Collection method: clinical testing. Allele origin: germline.
Comment: This variant is classified as likely benign based on ACMG/AMP sequence variant interpretation guidelines (Richards et al. 2015 PMID: 25741868, with internal and published modifications).

Mayo Clinic Laboratories, Mayo Clinic
Classification: Uncertain significance. Last evaluated: 2024-09-24. Review status: criteria provided, single submitter. Criteria: ACMG Guidelines, 2015. Collection method: clinical testing. Allele origin: germline. Observed: 1 variant allele.
Comment: BS1

Literature cited by the submitters: PubMed 29569962 (cited by Mayo Clinic Laboratories, Mayo Clinic); PubMed 31068150 (cited by Mayo Clinic Laboratories, Mayo Clinic); PubMed 33574344 (cited by Mayo Clinic Laboratories, Mayo Clinic).

NM_003361.4(UMOD):c.1153C>T (p.Arg385Trp)

Gene: UMOD (uromodulin; minus strand). Cytogenetic location: 16p12.3.
Variant type: single nucleotide variant.
Coding change: c.1153C>T on transcript NM_003361.4 (MANE Select); coding-DNA position 1153, C replaced by T.
Protein change: p.Arg385Trp; replaces arginine 385 with tryptophan.
Molecular consequence: missense variant. On other transcripts: non-coding transcript variant (1).
Genome position (GRCh38, 1-based): chr16:20,346,155, G>A on the plus strand (C>T on the coding strand, the complement: UMOD is on the minus strand). VCF-style: chr16-20346155-G-A. GRCh37 (hg19) VCF-style: chr16-20357477-G-A.
Other names: p.Arg385Trp; c.1153C>T, p.Arg385Trp (NM_001008389.3, NM_001378232.1, NM_001378233.1 and 3 more transcripts); c.1252C>T, p.Arg418Trp (NM_001278614.2); c.1153C>T (NM_003361.3); short protein forms R385W, R418W.
Identifiers: ClinVar variation 1665464 (VCV001665464.10), dbSNP rs200414962, ClinGen allele CA7939285.
Genomic context (GRCh38, chr16:20,346,155, plus strand): 5'-CTGGTTCTGTCCCCCACTGGCCAGGACGTACCGTCAACACTGTCCCACAGGGGCCATCCC[G>A]GGCTGGGGTCACTACAGACACCCAGTCCCGGTTGTCTCTGTCATTGAAGCCCGAGCACCG-3'
Protein context (NP_003352.2, residues 375-395): RDWVSVVTPA[Arg385Trp]DGPCGTVLTR